The following is an entry in ClinVar:

NM_003737.4(DCHS1):c.340C>T (p.Arg114Cys)

Gene: DCHS1 (dachsous cadherin-related 1; minus strand). Cytogenetic location: 11p15.4.
Variant type: single nucleotide variant.
Coding change: c.340C>T on transcript NM_003737.4 (MANE Select); coding-DNA position 340, C replaced by T.
Protein change: p.Arg114Cys; replaces arginine 114 with cysteine.
Molecular consequence: missense variant.
Genome position (GRCh38, 1-based): chr11:6,641,274, G>A on the plus strand (C>T on the coding strand, the complement: DCHS1 is on the minus strand). VCF-style: chr11-6641274-G-A. GRCh37 (hg19) VCF-style: chr11-6662505-G-A.
Other names: c.340C>T (NM_003737.2); short protein forms R114C.
Identifiers: ClinVar variation 713248 (VCV000713248.11), dbSNP rs200060711, ClinGen allele CA5861167.

ClinVar aggregate classification (germline): Likely benign. Review status: criteria provided, multiple submitters, no conflicts (2 of 4 stars). 3 submissions from 3 submitters: Likely benign (2). 1 of the submissions does not count toward it. Last evaluated 2025-12-24.

Conditions:
Inborn genetic diseases. Identifiers: MedGen C0950123, MeSH D030342.
DCHS1-related disorder. Also called: DCHS1-related condition.

Allele frequency attached by ClinVar (database versions not stated): ESP Exome Variant Server 0.00008; gnomAD 0.00010 and 0.00011; gnomAD exomes 0.00012 and 0.00064; 1000 Genomes Project 30x 0.00016; 1000 Genomes Project 0.00020; TOPMed 0.00023; ExAC 0.00048.

Submissions (3):

Labcorp Genetics (formerly Invitae), Labcorp
Classification: Likely benign. Last evaluated: 2025-12-24. Review status: criteria provided, single submitter. Criteria: Invitae Variant Classification Sherloc (09022015). Collection method: clinical testing. Allele origin: germline.

Ambry Genetics
Classification: Likely benign for Inborn genetic diseases. Last evaluated: 2023-05-17. Review status: criteria provided, single submitter. Criteria: Ambry Variant Classification Scheme 2023. Collection method: clinical testing. Allele origin: germline.

PreventionGenetics, part of Exact Sciences
Classification: Likely benign for DCHS1-related condition. Last evaluated: 2023-05-10. Review status: no assertion criteria provided. Collection method: clinical testing. Allele origin: germline. Not counted in ClinVar's aggregate classification.
Comment: This variant is classified as likely benign based on ACMG/AMP sequence variant interpretation guidelines (Richards et al. 2015 PMID: 25741868, with internal and published modifications).